The following is an entry in ClinVar:

ClinVar aggregate classification (germline): Uncertain significance (1 of 4 stars; one submission).

Conditions:
Autoimmune lymphoproliferative syndrome type 2A (ALPS2A). Also called: CASP10-Related Autoimmune Lymphoproliferative Syndrome; AUTOIMMUNE LYMPHOPROLIFERATIVE SYNDROME, TYPE IIA; Autoimmune lymphoproliferative syndrome type 2. Identifiers: Orphanet 3261, MedGen C1858968, MONDO:0011383, OMIM 603909.

Submission:

Labcorp Genetics (formerly Invitae), Labcorp
Classification: Uncertain significance for Autoimmune lymphoproliferative syndrome type 2A. Last evaluated: 2024-03-01. Review status: criteria provided, single submitter. Criteria: Invitae Variant Classification Sherloc (09022015). Collection method: clinical testing. Allele origin: germline.
Comment: This sequence change falls in intron 7 of the CASP10 gene. It does not directly change the encoded amino acid sequence of the CASP10 protein. It affects a nucleotide within the consensus splice site. This variant is not present in population databases (gnomAD no frequency). This variant has not been reported in the literature in individuals affected with CASP10-related conditions. Variants that disrupt the consensus splice site are a relatively common cause of aberrant splicing (PMID: 17576681, 9536098). Algorithms developed to predict the effect of sequence changes on RNA splicing suggest that this variant is not likely to affect RNA splicing. In summary, the available evidence is currently insufficient to determine the role of this variant in disease. Therefore, it has been classified as a Variant of Uncertain Significance.

Literature cited by the submitters: PubMed 17576681; PubMed 9536098.

NM_032977.4(CASP10):c.813+6G>A

Gene: CASP10 (caspase 10; plus strand). Cytogenetic location: 2q33.1.
Variant type: single nucleotide variant.
Coding change: c.813+6G>A on transcript NM_032977.4 (MANE Select); 6 bases into the intron after coding-DNA position 813, G replaced by A.
Molecular consequence: intron variant.
Genome position (GRCh38, 1-based): chr2:201,205,979, G>A. VCF-style: chr2-201205979-G-A. GRCh37 (hg19) VCF-style: chr2-202070702-G-A.
Other names: c.813+6G>A (NM_032974.5); c.685-2096G>A (NM_001206542.2, NM_001230.5); c.722-2096G>A (NM_032976.4); c.721+2213G>A (NM_001206524.2).
Identifiers: ClinVar variation 3755048 (VCV003755048.2).